The following is an entry in ClinVar:

ClinVar aggregate classification (germline): Benign (1 of 4 stars; one submission).

Conditions:
Atypical hemolytic-uremic syndrome with thrombomodulin anomaly. Also called: HEMOLYTIC UREMIC SYNDROME, ATYPICAL, SUSCEPTIBILITY TO, 6; AHUS, SUSCEPTIBILITY TO, 6. Identifiers: MedGen C2752036, MONDO:0013044, OMIM 612926. Disease mechanism: gain of function.

Allele frequency attached by ClinVar (database versions not stated): TOPMed 0.01063; 1000 Genomes Project 0.00779; 1000 Genomes Project 30x 0.00859; gnomAD 0.01185 and 0.01240.

Submission:

Illumina Laboratory Services, Illumina
Classification: Benign for Atypical hemolytic-uremic syndrome with thrombomodulin anomaly. Last evaluated: 2018-01-13. Review status: criteria provided, single submitter. Criteria: ICSL Variant Classification Criteria 13 December 2019. Collection method: clinical testing. Allele origin: germline.
Comment: This variant was observed in the ICSL laboratory as part of a predisposition screen in an ostensibly healthy population. It had not been previously curated by ICSL or reported in the Human Gene Mutation Database (HGMD: prior to June 1st, 2018), and was therefore a candidate for classification through an automated scoring system. Utilizing variant allele frequency, disease prevalence and penetrance estimates, and inheritance mode, an automated score was calculated to assess if this variant is too frequent to cause the disease. Based on the score and internal cut-off values, a variant classified as benign is not then subjected to further curation. The score for this variant resulted in a classification of benign for this disease.

NM_000361.3(THBD):c.*2143C>T

Gene: THBD (thrombomodulin; minus strand). Cytogenetic location: 20p11.21.
Variant type: single nucleotide variant.
Coding change: c.*2143C>T on transcript NM_000361.3 (MANE Select); 2143 bases downstream of the stop codon, C replaced by T.
Molecular consequence: 3 prime UTR variant.
Genome position (GRCh38, 1-based): chr20:23,045,634, G>A on the plus strand (C>T on the coding strand, the complement: THBD is on the minus strand). VCF-style: chr20-23045634-G-A. GRCh37 (hg19) VCF-style: chr20-23026271-G-A.
Identifiers: ClinVar variation 337849 (VCV000337849.5), dbSNP rs3176126, ClinGen allele CA10649413.